The following is an entry in ClinVar:

NM_014283.5(SUCO):c.1411G>A (p.Glu471Lys)

Gene: SUCO (SUN domain containing ossification factor; plus strand). Cytogenetic location: 1q24.3.
Variant type: single nucleotide variant.
Coding change: c.1411G>A on transcript NM_014283.5 (MANE Select); coding-DNA position 1411, G replaced by A.
Protein change: p.Glu471Lys; replaces glutamic acid 471 with lysine.
Molecular consequence: missense variant. On other transcripts: 5 prime UTR variant (1).
Genome position (GRCh38, 1-based): chr1:172,578,368, G>A. VCF-style: chr1-172578368-G-A. GRCh37 (hg19) VCF-style: chr1-172547508-G-A.
Other names: c.1300G>A, p.Glu434Lys (NM_001282750.2); c.-119G>A (NM_001282751.2); c.1864G>A, p.Glu622Lys (NM_016227.4); short protein forms E434K, E471K, E622K.
Identifiers: ClinVar variation 3610806 (VCV003610806.2).

ClinVar aggregate classification (germline): Uncertain significance (1 of 4 stars; one submission).

gnomAD v4.1: 9 of 1,612,220 alleles (0.00056%); highest among the groups gnomAD compares: Non-Finnish European, 0.00059%; no homozygotes.

Submission:

Labcorp Genetics (formerly Invitae), Labcorp
Classification: Uncertain significance. Last evaluated: 2025-06-03. Review status: criteria provided, single submitter. Criteria: Invitae Variant Classification Sherloc (09022015). Collection method: clinical testing. Allele origin: germline.
Comment: This sequence change replaces glutamic acid, which is acidic and polar, with lysine, which is basic and polar, at codon 471 of the SUCO protein (p.Glu471Lys). This variant is not present in population databases (gnomAD no frequency). This variant has not been reported in the literature in individuals affected with SUCO-related conditions. ClinVar contains an entry for this variant (Variation ID: 3610806). An algorithm developed to predict the effect of missense changes on protein structure and function (PolyPhen-2) suggests that this variant is likely to be disruptive. In summary, the available evidence is currently insufficient to determine the role of this variant in disease. Therefore, it has been classified as a Variant of Uncertain Significance.